The following is an entry in ClinVar:

NM_002335.4(LRP5):c.590C>G (p.Pro197Arg)

Gene: LRP5 (LDL receptor related protein 5; plus strand). Cytogenetic location: 11q13.2.
Variant type: single nucleotide variant.
Coding change: c.590C>G on transcript NM_002335.4 (MANE Select); coding-DNA position 590, C replaced by G.
Protein change: p.Pro197Arg; replaces proline 197 with arginine.
Molecular consequence: missense variant. On other transcripts: 5 prime UTR variant (1).
Genome position (GRCh38, 1-based): chr11:68,357,751, C>G. VCF-style: chr11-68357751-C-G. GRCh37 (hg19) VCF-style: chr11-68125219-C-G.
Other names: c.-1176C>G (NM_001291902.2); short protein forms P197R.
Identifiers: ClinVar variation 3901092 (VCV003901092.1).

ClinVar aggregate classification (germline): Likely pathogenic (1 of 4 stars; one submission).

Conditions:
Osteoporosis. Identifiers: MedGen C0029456, MONDO:0005298, OMIM 166710, HP:0000939.

Submission:

Clinical Genetics Laboratory, Skane University Hospital Lund
Classification: Likely pathogenic for Osteoporosis. Last evaluated: 2025-06-05. Review status: criteria provided, single submitter. Criteria: ACMG Guidelines, 2015. Collection method: clinical testing. Allele origin: germline. Affected: yes.
Comment: PM2, PP1_strong, PP3 and PP4